The following is an entry in ClinVar:

ClinVar aggregate classification (germline): Uncertain significance. Review status: criteria provided, multiple submitters, no conflicts (2 of 4 stars). 2 submissions from 2 submitters: Uncertain significance (2). Last evaluated 2025-10-29.

Conditions:
Hereditary cancer-predisposing syndrome. Also called: Neoplastic Syndromes, Hereditary; Tumor predisposition; Hereditary Cancer Syndrome; Hereditary neoplastic syndrome. Identifiers: Orphanet 140162, MedGen C0027672, MeSH D009386, MONDO:0015356.
Gastrointestinal stromal tumor. Also called: Gastrointestinal stromal tumor, somatic; Gastrointestinal stroma tumor. Identifiers: Orphanet 44890, MedGen C0238198, MeSH D046152, MONDO:0011719, OMIM 606764, HP:0100723.

Allele frequency attached by ClinVar (database versions not stated): gnomAD 0.00001; TOPMed 0.00001; ESP Exome Variant Server 0.00008.
gnomAD v4.1: 3 of 1,614,006 alleles (0.00019%); highest among the groups gnomAD compares: Non-Finnish European, 0.00017%; no homozygotes.

Submissions (2):

Labcorp Genetics (formerly Invitae), Labcorp
Classification: Uncertain significance for Gastrointestinal stromal tumor. Last evaluated: 2025-10-29. Review status: criteria provided, single submitter. Criteria: Invitae Variant Classification Sherloc (09022015). Collection method: clinical testing. Allele origin: germline.
Comment: This sequence change replaces glutamine, which is neutral and polar, with histidine, which is basic and polar, at codon 427 of the KIT protein (p.Gln427His). This variant is present in population databases (rs376889675, gnomAD 0.0009%). This variant has not been reported in the literature in individuals affected with KIT-related conditions. ClinVar contains an entry for this variant (Variation ID: 848672). An algorithm developed to predict the effect of missense changes on protein structure and function (PolyPhen-2) suggests that this variant is likely to be tolerated. In summary, the available evidence is currently insufficient to determine the role of this variant in disease. Therefore, it has been classified as a Variant of Uncertain Significance.

Ambry Genetics
Classification: Uncertain significance for Hereditary cancer-predisposing syndrome. Last evaluated: 2025-07-18. Review status: criteria provided, single submitter. Criteria: Ambry Variant Classification Scheme 2023. Collection method: clinical testing. Allele origin: germline.
Comment: The p.Q427H variant (also known as c.1281A>T), located in coding exon 8 of the KIT gene, results from an A to T substitution at nucleotide position 1281. The glutamine at codon 427 is replaced by histidine, an amino acid with highly similar properties. This amino acid position is conserved. In addition, this alteration is predicted to be tolerated by in silico analysis. Since supporting evidence is limited at this time, the clinical significance of this alteration remains unclear.

NM_000222.3(KIT):c.1281A>T (p.Gln427His)

Gene: KIT (KIT proto-oncogene, receptor tyrosine kinase; plus strand). Cytogenetic location: 4q12.
Variant type: single nucleotide variant.
Coding change: c.1281A>T on transcript NM_000222.3 (MANE Select); coding-DNA position 1281, A replaced by T.
Protein change: p.Gln427His; replaces glutamine 427 with histidine.
Molecular consequence: missense variant.
Genome position (GRCh38, 1-based): chr4:54,723,633, A>T. VCF-style: chr4-54723633-A-T. GRCh37 (hg19) VCF-style: chr4-55589799-A-T.
Other names: c.1281A>T, p.Gln427His (NM_001093772.2, NM_001385285.1, NM_001385286.1); c.1284A>T, p.Gln428His (NM_001385284.1, NM_001385288.1, NM_001385290.1 and 1 more transcripts); short protein forms Q427H, Q428H.
Identifiers: ClinVar variation 848672 (VCV000848672.13), dbSNP rs376889675, ClinGen allele CA96872750.